The following is an entry in ClinVar:

NM_080424.4(SP110):c.1349-2A>T

Gene: SP110 (SP110 nuclear body protein; minus strand). Cytogenetic location: 2q37.1.
Variant type: single nucleotide variant.
Coding change: c.1349-2A>T on transcript NM_080424.4 (MANE Select); the canonical splice acceptor site of the intron before coding-DNA position 1349, A replaced by T.
Molecular consequence: splice acceptor variant.
Genome position (GRCh38, 1-based): chr2:230,178,257, T>A on the plus strand (A>T on the coding strand, the complement: SP110 is on the minus strand). VCF-style: chr2-230178257-T-A. GRCh37 (hg19) VCF-style: chr2-231042973-T-A.
Other names: c.1367-2A>T (NM_001378446.1, NM_001378445.1, NM_001378442.1 and 2 more transcripts); c.1349-2A>T (NM_004509.5, NM_001378443.1, NM_004510.4); c.1199-2A>T (NM_001378447.1).
Identifiers: ClinVar variation 2982529 (VCV002982529.3), dbSNP rs1408372648, ClinGen allele CA350904724.
Genomic context (GRCh38, chr2:230,178,257, plus strand): 5'-ACCACAGGTCACGGGGAGCTTAGAACAGTGAAAATCCACAGTGTCACTTTTGGGTTTTCC[T>A]TAAAGTAGAAGAGAACAGTTTTGTGTTATTCAGTCTTCACTCCATCTTCCTTTTGAATTC-3'

ClinVar aggregate classification (germline): Likely pathogenic (1 of 4 stars; one submission).

Conditions:
Hepatic veno-occlusive disease-immunodeficiency syndrome. Also called: Hepatic Veno-Occlusive Disease with Immunodeficiency. Identifiers: Orphanet 79124, MedGen C1856128, MONDO:0009338, OMIM 235550. Disease mechanism: loss of function.

Allele frequency attached by ClinVar (database versions not stated): gnomAD exomes below 0.00001; TOPMed below 0.00001.
gnomAD v4.1: 1 of 1,590,244 alleles (0.000063%); highest among the groups gnomAD compares: Non-Finnish European, 0.000086%; no homozygotes.

Submission:

Labcorp Genetics (formerly Invitae), Labcorp
Classification: Likely pathogenic for Hepatic veno-occlusive disease-immunodeficiency syndrome. Last evaluated: 2022-12-04. Review status: criteria provided, single submitter. Criteria: Invitae Variant Classification Sherloc (09022015). Collection method: clinical testing. Allele origin: germline.
Comment: In summary, the currently available evidence indicates that the variant is pathogenic, but additional data are needed to prove that conclusively. Therefore, this variant has been classified as Likely Pathogenic. Algorithms developed to predict the effect of sequence changes on RNA splicing suggest that this variant may disrupt the consensus splice site. This variant has not been reported in the literature in individuals affected with SP110-related conditions. This variant is present in population databases (no rsID available, gnomAD 0.0009%). This sequence change affects an acceptor splice site in intron 12 of the SP110 gene. It is expected to disrupt RNA splicing. Variants that disrupt the donor or acceptor splice site typically lead to a loss of protein function (PMID: 16199547), and loss-of-function variants in SP110 are known to be pathogenic (PMID: 16648851, 22621957).

Literature cited by the submitters: PubMed 16199547; PubMed 16648851; PubMed 22621957.